The following is an entry in ClinVar:

ClinVar aggregate classification (germline): Likely benign (1 of 4 stars; one submission).

Allele frequency attached by ClinVar (database versions not stated): 1000 Genomes Project 0.00359.

Submission:

CeGaT Center for Human Genetics Tuebingen
Classification: Likely benign. Last evaluated: 2023-04-01. Review status: criteria provided, single submitter. Criteria: CeGaT Center For Human Genetics Tuebingen Variant Classification Criteria Version 2. Collection method: clinical testing. Allele origin: germline. Affected: yes. Observed: 6 variant alleles.
Comment: HRAS: BS1

NC_000011.10:g.530447A>G

Genes: HRAS (HRas proto-oncogene, GTPase; minus strand), LRRC56 (leucine rich repeat containing 56; plus strand). Cytogenetic location: 11p15.5.
Variant type: single nucleotide variant.
Genome position: GRCh38 VCF-style: chr11-530447-A-G. GRCh37 (hg19) VCF-style: chr11-530447-A-G.
Identifiers: ClinVar variation 1675437 (VCV001675437.33), dbSNP rs199711118, ClinGen allele CA216941396.
Genomic context (GRCh38, chr11:530,447, plus strand): 5'-CTGGTCACTCGGAGGCTGCTGGGGAGAAGGGGGAGTGTGGCATTCCCTGGACAGAAGGGC[A>G]AGTGTGGCGTCCCCTGGAGAGAAGGGCGAGTGTGGCGTCCCCTGGAGAGAAGGGCGAGTG-3'